The following is an entry in ClinVar:

NM_182961.4(SYNE1):c.11756C>T (p.Ala3919Val)

Gene: SYNE1 (spectrin repeat containing nuclear envelope protein 1; minus strand). Cytogenetic location: 6q25.2.
Variant type: single nucleotide variant.
Coding change: c.11756C>T on transcript NM_182961.4 (MANE Select); coding-DNA position 11756, C replaced by T.
Protein change: p.Ala3919Val; replaces alanine 3919 with valine.
Molecular consequence: missense variant. On other transcripts: intron variant (1).
Genome position (GRCh38, 1-based): chr6:152,350,313, G>A on the plus strand (C>T on the coding strand, the complement: SYNE1 is on the minus strand). VCF-style: chr6-152350313-G-A. GRCh37 (hg19) VCF-style: chr6-152671448-G-A.
Other names: NC_000006.11:g.152671448G>A; c.11688+305C>T (NM_033071.5); short protein forms A3919V.
Identifiers: ClinVar variation 448548 (VCV000448548.24), dbSNP rs114367594, ClinGen allele CA4056585.

ClinVar aggregate classification (germline): Benign/Likely benign. Review status: criteria provided, multiple submitters, no conflicts (2 of 4 stars). 5 submissions from 5 submitters: Benign (1); Likely benign (4). Last evaluated 2024-09-23.

Allele frequency attached by ClinVar (database versions not stated): gnomAD 0.00364 and 0.00390; 1000 Genomes Project 0.00419; 1000 Genomes Project 30x 0.00422; TOPMed 0.00433; ESP Exome Variant Server 0.00446.
gnomAD v4.1: 1,152 of 1,614,052 alleles (0.071%); highest among the groups gnomAD compares: African/African-American, 1.3%; 8 homozygotes.

Submissions (6):

Blueprint Genetics
Classification: Likely benign. Last evaluated: 2024-09-23. Review status: criteria provided, single submitter. Criteria: ACMG Guidelines, 2015. Collection method: clinical testing. Allele origin: germline.

CeGaT Center for Human Genetics Tuebingen
Classification: Likely benign. Last evaluated: 2024-08-01. Review status: criteria provided, single submitter. Criteria: CeGaT Center For Human Genetics Tuebingen Variant Classification Criteria Version 2. Collection method: clinical testing. Allele origin: germline. Affected: yes. Observed: 1 variant allele.
Comment: SYNE1: BP4, BS1

Athena Diagnostics
Classification: Benign. Last evaluated: 2024-05-31. Review status: criteria provided, single submitter. Criteria: Athena Diagnostics Criteria. Collection method: clinical testing. Allele origin: unknown.

GeneDx
Classification: Likely benign. Last evaluated: 2018-08-07. Review status: criteria provided, single submitter. Criteria: GeneDx Variant Classification Process June 2021. Collection method: clinical testing. Allele origin: germline. Affected: yes.

Breakthrough Genomics
Classification: Likely benign. Review status: criteria provided, single submitter. Criteria: ACMG Guidelines, 2015. Collection method: not provided. Allele origin: germline. Inheritance: Autosomal recessive inheritance. Affected: yes.

Dr. Peter K. Rogan Lab, Western University
No classification provided (evidence only). Condition: Gastric cancer. Review status: no classification provided. Collection method: in vitro. Allele origin: not applicable. Functional consequence: retained intron. Not counted in ClinVar's aggregate classification.